The following is an entry in ClinVar:

ClinVar aggregate classification (germline): Uncertain significance. Review status: criteria provided, multiple submitters, no conflicts (2 of 4 stars). 2 submissions from 2 submitters: Uncertain significance (2). Last evaluated 2024-06-29.

Conditions:
Episodic ataxia type 2 (EA2). Also called: ATAXIA, EPISODIC, WITH NYSTAGMUS; ATAXIA, FAMILIAL PAROXYSMAL; CEREBELLAR ATAXIA, PAROXYSMAL, ACETAZOLAMIDE-RESPONSIVE; CEREBELLOPATHY, HEREDITARY PAROXYSMAL; EPISODIC ATAXIA, NYSTAGMUS-ASSOCIATED; ACETAZOLAMIDE-RESPONSIVE HEREDITARY PAROXYSMAL CEREBELLAR ATAXIA. Identifiers: Orphanet 97, MedGen C1720416, MONDO:0007163, OMIM 108500.
Developmental and epileptic encephalopathy, 42 (DEE42A). Also called: DEVELOPMENTAL AND EPILEPTIC ENCEPHALOPATHY 42A; EPILEPTIC ENCEPHALOPATHY, EARLY INFANTILE, 42A; Epileptic encephalopathy, early infantile, 42. Identifiers: MedGen C4310716, MONDO:0014917, OMIM 617106.

Submissions (2):

Labcorp Genetics (formerly Invitae), Labcorp
Classification: Uncertain significance for Developmental and epileptic encephalopathy, 42; Episodic ataxia type 2. Last evaluated: 2024-06-29. Review status: criteria provided, single submitter. Criteria: Invitae Variant Classification Sherloc (09022015). Collection method: clinical testing. Allele origin: germline.
Comment: This sequence change replaces proline, which is neutral and non-polar, with serine, which is neutral and polar, at codon 225 of the CACNA1A protein (p.Pro225Ser). This variant is not present in population databases (gnomAD no frequency). This variant has not been reported in the literature in individuals affected with CACNA1A-related conditions. ClinVar contains an entry for this variant (Variation ID: 2441696). Advanced modeling of protein sequence and biophysical properties (such as structural, functional, and spatial information, amino acid conservation, physicochemical variation, residue mobility, and thermodynamic stability) performed at Invitae indicates that this missense variant is expected to disrupt CACNA1A protein function with a positive predictive value of 95%. This variant disrupts the p.Pro225 amino acid residue in CACNA1A. Other variant(s) that disrupt this residue have been observed in individuals with CACNA1A-related conditions (PMID: 32860008), which suggests that this may be a clinically significant amino acid residue. In summary, the available evidence is currently insufficient to determine the role of this variant in disease. Therefore, it has been classified as a Variant of Uncertain Significance.

Baylor Genetics
Classification: Uncertain significance for Episodic ataxia type 2. Last evaluated: 2022-11-07. Review status: criteria provided, single submitter. Criteria: ACMG Guidelines, 2015. Collection method: clinical testing. Allele origin: unknown.

Literature cited by the submitters: PubMed 32860008 (cited by Labcorp Genetics (formerly Invitae), Labcorp).

NM_001127222.2(CACNA1A):c.673C>T (p.Pro225Ser)

Gene: CACNA1A (calcium voltage-gated channel subunit alpha1 A; minus strand). Cytogenetic location: 19p13.13.
Variant type: single nucleotide variant.
Coding change: c.673C>T on transcript NM_001127222.2 (MANE Select); coding-DNA position 673, C replaced by T.
Protein change: p.Pro225Ser; replaces proline 225 with serine.
Molecular consequence: missense variant.
Genome position (GRCh38, 1-based): chr19:13,365,428, G>A on the plus strand (C>T on the coding strand, the complement: CACNA1A is on the minus strand). VCF-style: chr19-13365428-G-A. GRCh37 (hg19) VCF-style: chr19-13476242-G-A.
Other names: c.673C>T, p.Pro225Ser (NM_000068.4, NM_001127221.2, NM_001174080.2 and 1 more transcripts); short protein forms P225S.
Identifiers: ClinVar variation 2441696 (VCV002441696.3), dbSNP rs2513175641, ClinGen allele CA404348607.